The following is an entry in ClinVar:

ClinVar aggregate classification (germline): Uncertain significance (1 of 4 stars; one submission).

Conditions:
Charcot-Marie-Tooth disease dominant intermediate B (CMTDIB). Also called: CHARCOT-MARIE-TOOTH NEUROPATHY, DOMINANT INTERMEDIATE B; Charcot-Marie-Tooth disease dominant intermediate 1; CMT DI1; Charcot-Marie-Tooth disease dominant intermediate I. Identifiers: Orphanet 100044, Orphanet 228179, MedGen C1847902, MONDO:0011674, OMIM 606482.

gnomAD v4.1: 1 of 1,614,116 alleles (0.000062%); highest among the groups gnomAD compares: Non-Finnish European, 0.000085%; no homozygotes.

Submission:

Labcorp Genetics (formerly Invitae), Labcorp
Classification: Uncertain significance for Charcot-Marie-Tooth disease dominant intermediate B. Last evaluated: 2022-02-18. Review status: criteria provided, single submitter. Criteria: Invitae Variant Classification Sherloc (09022015). Collection method: clinical testing. Allele origin: germline.
Comment: In summary, the available evidence is currently insufficient to determine the role of this variant in disease. Therefore, it has been classified as a Variant of Uncertain Significance. Algorithms developed to predict the effect of missense changes on protein structure and function (SIFT, PolyPhen-2, Align-GVGD) all suggest that this variant is likely to be tolerated. This variant has not been reported in the literature in individuals affected with DNM2-related conditions. This variant is not present in population databases (gnomAD no frequency). This sequence change replaces aspartic acid, which is acidic and polar, with asparagine, which is neutral and polar, at codon 636 of the DNM2 protein (p.Asp636Asn).

NM_001005361.3(DNM2):c.1906G>A (p.Asp636Asn)

Gene: DNM2 (dynamin 2; plus strand). Cytogenetic location: 19p13.2.
Variant type: single nucleotide variant.
Coding change: c.1906G>A on transcript NM_001005361.3 (MANE Select); coding-DNA position 1906, G replaced by A.
Protein change: p.Asp636Asn; replaces aspartic acid 636 with asparagine.
Molecular consequence: missense variant.
Genome position (GRCh38, 1-based): chr19:10,825,069, G>A. VCF-style: chr19-10825069-G-A. GRCh37 (hg19) VCF-style: chr19-10935745-G-A.
Other names: c.1906G>A, p.Asp636Asn (NM_001005360.3, NM_001190716.2); c.1894G>A, p.Asp632Asn (NM_001005362.3, NM_004945.4); short protein forms D632N, D636N.
Identifiers: ClinVar variation 2092167 (VCV002092167.4), dbSNP rs2513354591, ClinGen allele CA404041289.